The following is an entry in ClinVar:

ClinVar aggregate classification (germline): Uncertain significance. Review status: criteria provided, multiple submitters, no conflicts (2 of 4 stars). 3 submissions from 3 submitters: Uncertain significance (3). Last evaluated 2025-01-13.

Allele frequency attached by ClinVar (database versions not stated): gnomAD exomes 0.00002; TOPMed 0.00002; gnomAD 0.00004.
gnomAD v4.1: 34 of 1,543,080 alleles (0.0022%); highest among the groups gnomAD compares: Admixed American, 0.0039%; no homozygotes.

Submissions (3):

GeneDx
Classification: Uncertain significance. Last evaluated: 2025-01-13. Review status: criteria provided, single submitter. Criteria: GeneDx Variant Classification Process June 2021. Collection method: clinical testing. Allele origin: germline. Affected: yes.
Comment: In silico analysis supports that this missense variant has a deleterious effect on protein structure/function; Has not been previously published as pathogenic or benign to our knowledge

Blueprint Genetics
Classification: Uncertain significance. Last evaluated: 2024-07-16. Review status: criteria provided, single submitter. Criteria: ACMG Guidelines, 2015. Collection method: clinical testing. Allele origin: germline.

Labcorp Genetics (formerly Invitae), Labcorp
Classification: Uncertain significance. Last evaluated: 2022-07-26. Review status: criteria provided, single submitter. Criteria: Invitae Variant Classification Sherloc (09022015). Collection method: clinical testing. Allele origin: germline.
Comment: This sequence change replaces arginine, which is basic and polar, with cysteine, which is neutral and slightly polar, at codon 825 of the MYO7A protein (p.Arg825Cys). The frequency data for this variant in the population databases is considered unreliable, as metrics indicate poor data quality at this position in the gnomAD database. This variant has not been reported in the literature in individuals affected with MYO7A-related conditions. ClinVar contains an entry for this variant (Variation ID: 970504). Advanced modeling of protein sequence and biophysical properties (such as structural, functional, and spatial information, amino acid conservation, physicochemical variation, residue mobility, and thermodynamic stability) performed at Invitae indicates that this missense variant is expected to disrupt MYO7A protein function. In summary, the available evidence is currently insufficient to determine the role of this variant in disease. Therefore, it has been classified as a Variant of Uncertain Significance.

NM_000260.4(MYO7A):c.2473C>T (p.Arg825Cys)

Gene: MYO7A (myosin VIIA; plus strand). Cytogenetic location: 11q13.5.
Variant type: single nucleotide variant.
Coding change: c.2473C>T on transcript NM_000260.4 (MANE Select); coding-DNA position 2473, C replaced by T.
Protein change: p.Arg825Cys; replaces arginine 825 with cysteine.
Molecular consequence: missense variant.
Genome position (GRCh38, 1-based): chr11:77,179,840, C>T. VCF-style: chr11-77179840-C-T. GRCh37 (hg19) VCF-style: chr11-76890886-C-T.
Other names: c.2473C>T, p.Arg825Cys (NM_001127180.2); c.2440C>T, p.Arg814Cys (NM_001369365.1); short protein forms R825C, R814C.
Identifiers: ClinVar variation 970504 (VCV000970504.5), dbSNP rs1394439593, ClinGen allele CA381941733.